The following is an entry in ClinVar:

ClinVar aggregate classification (germline): Conflicting classifications of pathogenicity. Review status: criteria provided, conflicting classifications (1 of 4 stars). 4 submissions from 4 submitters: Uncertain significance (3); Likely benign (1). Last evaluated 2026-01-05.

Conditions:
Pheochromocytoma. Also called: MAX-Related Hereditary Paraganglioma-Pheochromocytoma Syndrome. Identifiers: Orphanet 29072, MedGen C0031511, MONDO:0008233, OMIM 171300, HP:0002666.
Charcot-Marie-Tooth disease type 2. Also called: Charcot-Marie-Tooth type 2. Identifiers: Orphanet 64746, MedGen C0270914, MONDO:0018993.
Neuroblastoma (NB). Identifiers: Orphanet 635, MedGen C0027819, MeSH D009447, MONDO:0005072, HP:0003006.

Allele frequency attached by ClinVar (database versions not stated): ExAC 0.00003; TOPMed 0.00005; gnomAD exomes 0.00006 and 0.00004; gnomAD 0.00007 and 0.00008.

Submissions (4):

Labcorp Genetics (formerly Invitae), Labcorp
Classification: Uncertain significance for Charcot-Marie-Tooth disease type 2. Last evaluated: 2026-01-05. Review status: criteria provided, single submitter. Criteria: Invitae Variant Classification Sherloc (09022015). Collection method: clinical testing. Allele origin: germline.
Comment: This sequence change replaces arginine, which is basic and polar, with histidine, which is basic and polar, at codon 72 of the KIF1B protein (p.Arg72His). This variant is present in population databases (rs761343609, gnomAD 0.01%). This variant has not been reported in the literature in individuals affected with KIF1B-related conditions. ClinVar contains an entry for this variant (Variation ID: 642188). Invitae Evidence Modeling of protein sequence and biophysical properties (such as structural, functional, and spatial information, amino acid conservation, physicochemical variation, residue mobility, and thermodynamic stability) indicates that this missense variant is not expected to disrupt KIF1B protein function with a negative predictive value of 80%. In summary, the available evidence is currently insufficient to determine the role of this variant in disease. Therefore, it has been classified as a Variant of Uncertain Significance.

Ambry Genetics
Classification: Likely benign. Last evaluated: 2025-10-14. Review status: criteria provided, single submitter. Criteria: Ambry Variant Classification Scheme 2023. Collection method: clinical testing. Allele origin: germline.

St. Jude Molecular Pathology, St. Jude Children's Research Hospital
Classification: Uncertain significance for Pheochromocytoma. Last evaluated: 2022-09-21. Review status: criteria provided, single submitter. Criteria: St. Jude Assertion Criteria 2020. Collection method: clinical testing. Allele origin: germline.
Comment: The KIF1B c.215G>A (p.Arg72His) missense change has a maximum subpopulation frequency of 0.012% in gnomAD v2.1.1. The in silico tool REVEL predicts a benign effect on protein function, but to our knowledge this prediction has not been confirmed by functional studies. To our knowledge, this variant has not been reported in individuals with pheochromocytoma or neuroblastoma. In summary, the evidence currently available is insufficient to determine the clinical significance of this variant. It has therefore been classified as of uncertain significance.

Illumina Laboratory Services, Illumina
Classification: Uncertain significance for Neuroblastoma. Last evaluated: 2018-01-13. Review status: criteria provided, single submitter. Criteria: ICSL Variant Classification Criteria 13 December 2019. Collection method: clinical testing. Allele origin: germline.

NM_001365951.3(KIF1B):c.215G>A (p.Arg72His)

Gene: KIF1B (kinesin family member 1B; plus strand). Cytogenetic location: 1p36.22.
Variant type: single nucleotide variant.
Coding change: c.215G>A on transcript NM_001365951.3 (MANE Select); coding-DNA position 215, G replaced by A.
Protein change: p.Arg72His; replaces arginine 72 with histidine.
Molecular consequence: missense variant.
Genome position (GRCh38, 1-based): chr1:10,258,524, G>A. VCF-style: chr1-10258524-G-A. GRCh37 (hg19) VCF-style: chr1-10318582-G-A.
Other names: c.215G>A, p.Arg72His (NM_001365952.1, NM_001365953.1, NM_015074.3 and 1 more transcripts); short protein forms R72H.
Identifiers: ClinVar variation 642188 (VCV000642188.18), dbSNP rs761343609, ClinGen allele CA580653.